The following is an entry in ClinVar:

ClinVar aggregate classification (germline): Uncertain significance. Review status: criteria provided, multiple submitters, no conflicts (2 of 4 stars). 2 submissions from 2 submitters: Uncertain significance (2). Last evaluated 2024-06-17.

Conditions:
Epidermodysplasia verruciformis. Identifiers: Orphanet 302, MedGen C0014522, MONDO:0009176.
Inborn genetic diseases. Identifiers: MedGen C0950123, MeSH D030342.

Allele frequency attached by ClinVar (database versions not stated): gnomAD exomes 0.00002; gnomAD 0.00003; TOPMed 0.00003; ExAC 0.00006.
gnomAD v4.1: 28 of 1,592,326 alleles (0.0018%); highest among the groups gnomAD compares: Admixed American, 0.023%; no homozygotes.

Submissions (2):

Ambry Genetics
Classification: Uncertain significance for Inborn genetic diseases. Last evaluated: 2024-06-17. Review status: criteria provided, single submitter. Criteria: Ambry Variant Classification Scheme 2023. Collection method: clinical testing. Allele origin: germline.

Labcorp Genetics (formerly Invitae), Labcorp
Classification: Uncertain significance for Epidermodysplasia verruciformis. Last evaluated: 2022-06-30. Review status: criteria provided, single submitter. Criteria: Invitae Variant Classification Sherloc (09022015). Collection method: clinical testing. Allele origin: germline.
Comment: In summary, the available evidence is currently insufficient to determine the role of this variant in disease. Therefore, it has been classified as a Variant of Uncertain Significance. Algorithms developed to predict the effect of missense changes on protein structure and function output the following: SIFT: "Not Available"; PolyPhen-2: "Benign"; Align-GVGD: "Not Available". The threonine amino acid residue is found in multiple mammalian species, which suggests that this missense change does not adversely affect protein function. This variant has not been reported in the literature in individuals affected with TMC6-related conditions. This variant is present in population databases (rs758146730, gnomAD 0.02%). This sequence change replaces alanine, which is neutral and non-polar, with threonine, which is neutral and polar, at codon 233 of the TMC6 protein (p.Ala233Thr).

NM_001127198.5(TMC6):c.697G>A (p.Ala233Thr)

Gene: TMC6 (transmembrane channel like 6; minus strand). Cytogenetic location: 17q25.3.
Variant type: single nucleotide variant.
Coding change: c.697G>A on transcript NM_001127198.5 (MANE Select); coding-DNA position 697, G replaced by A.
Protein change: p.Ala233Thr; replaces alanine 233 with threonine.
Molecular consequence: missense variant. On other transcripts: non-coding transcript variant (4).
Genome position (GRCh38, 1-based): chr17:78,124,718, C>T on the plus strand (G>A on the coding strand, the complement: TMC6 is on the minus strand). VCF-style: chr17-78124718-C-T. GRCh37 (hg19) VCF-style: chr17-76120799-C-T.
Other names: c.697G>A, p.Ala233Thr (NM_001321185.1, NM_001374593.1, NM_001374594.1 and 4 more transcripts); short protein forms A233T.
Identifiers: ClinVar variation 2150829 (VCV002150829.3), dbSNP rs758146730, ClinGen allele CA8796027.
Genomic context (GRCh38, chr17:78,124,718, plus strand): 5'-TGAGAAAGAGGAAGTAGGAGAGCACGCTGGAGCCGAACTGGCCCCCGATGCGCTTCAGGG[C>T]GTAGCGCCACGGCATCAGGGCCTGCAGGGCGGAGAGCAGCGCCAGGCCCAGGCTGTGCAA-3'
Protein context (NP_001120670.1, residues 223-243): ALQALMPWRY[Ala233Thr]LKRIGGQFGS